The following is an entry in ClinVar:

ClinVar aggregate classification (germline): Uncertain significance (1 of 4 stars; one submission).

Submission:

Labcorp Genetics (formerly Invitae), Labcorp
Classification: Uncertain significance. Last evaluated: 2025-02-10. Review status: criteria provided, single submitter. Criteria: Invitae Variant Classification Sherloc (09022015). Collection method: clinical testing. Allele origin: germline.
Comment: This sequence change falls in intron 1 of the KLF11 gene. It does not directly change the encoded amino acid sequence of the KLF11 protein. This variant is present in population databases (rs764193904, gnomAD 0.07%), and has an allele count higher than expected for a pathogenic variant. This variant has not been reported in the literature in individuals affected with KLF11-related conditions. ClinVar contains an entry for this variant (Variation ID: 1898615). In summary, the available evidence is currently insufficient to determine the role of this variant in disease. Therefore, it has been classified as a Variant of Uncertain Significance.

NM_003597.5(KLF11):c.42+16_42+29dup

Gene: KLF11 (KLF transcription factor 11; plus strand). Cytogenetic location: 2p25.1.
Variant type: Duplication.
Coding change: c.42+16_42+29dup on transcript NM_003597.5 (MANE Select); bases 16 to 29 of the intron after coding-DNA position 42, 14 bases duplicated (GCCGCGGCGGGACT).
Molecular consequence: intron variant.
Genome position (GRCh38, 1-based): chr2:10,043,774-10,043,787, GCCGCGGCGGGACT duplicated; duplicating any 14 consecutive bases within chr2:10,043,772-10,043,787 gives the same sequence; the c. name uses the placement nearest the transcript's 3' end. VCF-style (leftmost placement, unchanged base first): chr2-10043771-G-GCTGCCGCGGCGGGA. GRCh37 (hg19) VCF-style: chr2-10183898-G-GCTGCCGCGGCGGGA.
Identifiers: ClinVar variation 1898615 (VCV001898615.5), dbSNP rs764193904, ClinGen allele CA1525362.